The following is an entry in ClinVar:

NM_001372043.1(PCSK5):c.5611G>A (p.Asp1871Asn)

Gene: PCSK5 (proprotein convertase subtilisin/kexin type 5; plus strand). Cytogenetic location: 9q21.13.
Variant type: single nucleotide variant.
Coding change: c.5611G>A on transcript NM_001372043.1 (MANE Select); coding-DNA position 5611, G replaced by A.
Protein change: p.Asp1871Asn; replaces aspartic acid 1871 with asparagine.
Molecular consequence: missense variant.
Genome position (GRCh38, 1-based): chr9:76,358,869, G>A. VCF-style: chr9-76358869-G-A. GRCh37 (hg19) VCF-style: chr9-78973785-G-A.
Other names: c.5530G>A, p.Asp1844Asn (NM_001190482.2); short protein forms D1844N, D1871N.
Identifiers: ClinVar variation 4988142 (VCV004988142.1).
Genomic context (GRCh38, chr9:76,358,869, plus strand): 5'-GTCTACATGGGCCAGGATGGCACAGTCTACCGGAAATTTAAATATGGGCTGCTGGATGAC[G>A]ATGACATAGATGAGCTGGAATATGATGACGAGAGTTACTCCTACTACCAGTAAACAGGCA-3'
Protein context (NP_001358972.1, residues 1861-1881): RKFKYGLLDD[Asp1871Asn]DIDELEYDDE

ClinVar aggregate classification (germline): Likely benign (1 of 4 stars; one submission).

Conditions:
PCSK5-related disorder. Also called: PCSK5-related condition.

gnomAD v4.1: 136 of 1,612,828 alleles (0.0084%); highest among the groups gnomAD compares: Admixed American, 0.2%; no homozygotes.

Submission:

PreventionGenetics, part of Exact Sciences
Classification: Likely benign for PCSK5-related condition. Last evaluated: 2025-12-10. Review status: criteria provided, single submitter. Criteria: ACMG Guidelines, 2015. Collection method: clinical testing. Allele origin: germline.
Comment: This variant is classified as likely benign based on ACMG/AMP sequence variant interpretation guidelines (Richards et al. 2015 PMID: 25741868, with internal and published modifications).